The following is an entry in ClinVar:

ClinVar aggregate classification (germline): Benign/Likely benign. Review status: criteria provided, multiple submitters, no conflicts (2 of 4 stars). 3 submissions from 3 submitters: Benign (1); Likely benign (2). Last evaluated 2025-04-28.

Conditions:
Tuberous sclerosis 1 (TSC1). Identifiers: Orphanet 805, MedGen C1854465, MONDO:0008612, OMIM 191100.
Hereditary cancer-predisposing syndrome. Also called: Hereditary Cancer Syndrome; Hereditary neoplastic syndrome; Neoplastic Syndromes, Hereditary; Tumor predisposition. Identifiers: Orphanet 140162, MedGen C0027672, MeSH D009386, MONDO:0015356.

Submissions (3):

Myriad Genetics, Inc.
Classification: Benign for Tuberous sclerosis 1. Last evaluated: 2025-04-28. Review status: criteria provided, single submitter. Criteria: Myriad Autosomal Dominant, Autosomal Recessive and X-Linked Classification Criteria (2023). Collection method: clinical testing. Allele origin: unknown.
Comment: This variant is considered benign. This variant is a silent/synonymous amino acid change and it is not expected to impact splicing.

Ambry Genetics
Classification: Likely benign for Hereditary cancer-predisposing syndrome. Last evaluated: 2024-09-09. Review status: criteria provided, single submitter. Criteria: Ambry Variant Classification Scheme 2023. Collection method: clinical testing. Allele origin: germline.

Labcorp Genetics (formerly Invitae), Labcorp
Classification: Likely benign for Tuberous sclerosis 1. Last evaluated: 2023-02-27. Review status: criteria provided, single submitter. Criteria: Invitae Variant Classification Sherloc (09022015). Collection method: clinical testing. Allele origin: germline.

NM_000368.5(TSC1):c.2607G>A (p.Lys869=)

Gene: TSC1 (TSC complex subunit 1; minus strand). Cytogenetic location: 9q34.13.
Variant type: single nucleotide variant.
Coding change: c.2607G>A on transcript NM_000368.5 (MANE Select); coding-DNA position 2607, G replaced by A.
Protein change: p.Lys869=; no amino-acid change (lysine 869 retained).
Molecular consequence: synonymous variant.
Genome position (GRCh38, 1-based): chr9:132,900,733, C>T on the plus strand (G>A on the coding strand, the complement: TSC1 is on the minus strand). VCF-style: chr9-132900733-C-T. GRCh37 (hg19) VCF-style: chr9-135776120-C-T.
Other names: c.2607G>A (NM_000368.4); c.2604G>A, p.Lys868= (NM_001162426.2); c.2454G>A, p.Lys818= (NM_001162427.2); c.2244G>A, p.Lys748= (NM_001362177.2).
Identifiers: ClinVar variation 1150173 (VCV001150173.11), dbSNP rs1845327520, ClinGen allele CA467594441.
Genomic context (GRCh38, chr9:132,900,733, plus strand): 5'-ACGCTTTCCCCACTAAGGTCTGGCTCCCGAGCCCTGGCATACCTTTGTGGTATCTGAGTG[C>T]TTGTTCTGCAGTTGTTCCAAATAGAGCTCGTTGACCTCCCCAAGAACCAACAGCTGCCTG-3'
Protein context (NP_000359.1, residues 859-879): NELYLEQLQN[Lys869=]HSDTTKEVEM